The following is an entry in ClinVar:

ClinVar aggregate classification (germline): Conflicting classifications of pathogenicity. Review status: criteria provided, conflicting classifications (1 of 4 stars). 3 submissions from 3 submitters: Uncertain significance (2); Likely benign (1). Last evaluated 2025-08-05.

Conditions:
RYR1-related disorder. Also called: RYR1-related disorders; RYR1-related condition. Identifiers: MedGen CN239331.
Malignant hyperthermia, susceptibility to, 1 (MHS1). Also called: RYR1-Related Malignant Hyperthermia Susceptibility; Anesthesia related hyperthermia; Malignant hyperpyrexia; Fulminating hyperpyrexia; Pharmacogenic myopathy; Malignant hyperthermia suceptibility 1. Identifiers: Orphanet 423, MedGen C2930980, MONDO:0007783, OMIM 145600.

Allele frequency attached by ClinVar (database versions not stated): gnomAD exomes below 0.00001; ESP Exome Variant Server 0.00008.

Submissions (3):

Color Diagnostics, LLC DBA Color Health
Classification: Uncertain significance for Malignant hyperthermia, susceptibility to, 1. Last evaluated: 2025-08-05. Review status: criteria provided, single submitter. Criteria: ACMG Guidelines, 2015. Collection method: clinical testing. Allele origin: germline.
Comment: This variant causes a duplication of single nucleotide at -3 position in intron 18 of the RYR1 gene. To our knowledge, functional studies have not been reported for this variant. This variant has not been reported in individuals affected with RYR1-related disorders in the literature. This variant has been identified in 1/250712 chromosomes in the general population by the Genome Aggregation Database (gnomAD). The available evidence is insufficient to determine the role of this variant in disease conclusively. Therefore, this variant is classified as a Variant of Uncertain Significance.

Labcorp Genetics (formerly Invitae), Labcorp
Classification: Likely benign for RYR1-related disorder. Last evaluated: 2023-09-26. Review status: criteria provided, single submitter. Criteria: Invitae Variant Classification Sherloc (09022015). Collection method: clinical testing. Allele origin: germline.

GeneDx
Classification: Uncertain significance. Last evaluated: 2019-06-26. Review status: criteria provided, single submitter. Criteria: GeneDx Variant Classification Process June 2021. Collection method: clinical testing. Allele origin: germline. Affected: yes.
Comment: Not observed in large population cohorts (Lek et al., 2016); In silico analysis, which includes splice predictors and evolutionary conservation, supports a deleterious effect; Has not been previously published as pathogenic or benign to our knowledge

NM_000540.3(RYR1):c.2168-3dup

Gene: RYR1 (ryanodine receptor 1; plus strand). Cytogenetic location: 19q13.2.
Variant type: Duplication.
Coding change: c.2168-3dup on transcript NM_000540.3 (MANE Select); 3 bases into the intron before coding-DNA position 2168, one base duplicated (C; older notation c.2168-3dupC).
Molecular consequence: intron variant.
Genome position (GRCh38, 1-based): chr19:38,459,143, C duplicated. VCF-style (leftmost placement, unchanged base first): chr19-38459142-G-GC. GRCh37 (hg19) VCF-style: chr19-38949782-G-GC.
Other names: c.2168-3dup (NM_001042723.2).
Identifiers: ClinVar variation 1303827 (VCV001303827.6), dbSNP rs1555770306, ClinGen allele CA405627472.
Genomic context (GRCh38, chr19:38,459,142, plus strand): 5'-TCTCTTGTTATCATTGGTTCTGTGGGACCTGTGACGTCTGACCCATCTCTGGTGACTGAT[G>GC]CAGGACACGTGGCACGCCCAGTGACTTCCCCAGGGCAGCACCTCCTGGCCCCTGAAGACG-3'